The following is an entry in ClinVar:

ClinVar aggregate classification (germline): Uncertain significance. Review status: criteria provided, multiple submitters, no conflicts (2 of 4 stars). 2 submissions from 2 submitters: Uncertain significance (2). Last evaluated 2025-12-09.

Conditions:
Hereditary cancer-predisposing syndrome. Also called: Tumor predisposition; Hereditary Cancer Syndrome; Hereditary neoplastic syndrome; Neoplastic Syndromes, Hereditary. Identifiers: Orphanet 140162, MedGen C0027672, MeSH D009386, MONDO:0015356.

Allele frequency attached by ClinVar (database versions not stated): gnomAD exomes below 0.00001.
gnomAD v4.1: 2 of 1,614,238 alleles (0.00012%); highest among the groups gnomAD compares: South Asian, 0.0011%; no homozygotes.

Submissions (2):

Ambry Genetics
Classification: Uncertain significance for Hereditary cancer-predisposing syndrome. Last evaluated: 2025-12-09. Review status: criteria provided, single submitter. Criteria: Ambry Variant Classification Scheme 2023. Collection method: clinical testing. Allele origin: germline.

Labcorp Genetics (formerly Invitae), Labcorp
Classification: Uncertain significance for Hereditary cancer-predisposing syndrome. Last evaluated: 2023-08-20. Review status: criteria provided, single submitter. Criteria: Invitae Variant Classification Sherloc (09022015). Collection method: clinical testing. Allele origin: germline.
Comment: In summary, the available evidence is currently insufficient to determine the role of this variant in disease. Therefore, it has been classified as a Variant of Uncertain Significance. Advanced modeling of protein sequence and biophysical properties (such as structural, functional, and spatial information, amino acid conservation, physicochemical variation, residue mobility, and thermodynamic stability) performed at Invitae indicates that this missense variant is expected to disrupt RAD50 protein function. ClinVar contains an entry for this variant (Variation ID: 486245). This variant has not been reported in the literature in individuals affected with RAD50-related conditions. This variant is not present in population databases (gnomAD no frequency). This sequence change replaces leucine, which is neutral and non-polar, with proline, which is neutral and non-polar, at codon 1217 of the RAD50 protein (p.Leu1217Pro).

NM_005732.4(RAD50):c.3650T>C (p.Leu1217Pro)

Genes: TH2LCRR (T helper type 2 locus control region associated RNA; minus strand), TH2-LCR (Th2 cytokine locus control region; plus strand), RAD50 (RAD50 double strand break repair protein; plus strand). Cytogenetic location: 5q31.1.
Variant type: single nucleotide variant.
Coding change: c.3650T>C on transcript NM_005732.4 (MANE Select); coding-DNA position 3650, T replaced by C.
Protein change: p.Leu1217Pro; replaces leucine 1217 with proline.
Molecular consequence: missense variant.
Genome position (GRCh38, 1-based): chr5:132,640,703, T>C. VCF-style: chr5-132640703-T-C. GRCh37 (hg19) VCF-style: chr5-131976395-T-C.
Other names: short protein forms L1217P.
Identifiers: ClinVar variation 486245 (VCV000486245.15), dbSNP rs1554101177, ClinGen allele CA360933830.